The following is an entry in ClinVar:

ClinVar aggregate classification (germline): Uncertain significance. Review status: criteria provided, multiple submitters, no conflicts (2 of 4 stars). 2 submissions from 2 submitters: Uncertain significance (2). Last evaluated 2024-01-24.

Conditions:
Inborn genetic diseases. Identifiers: MedGen C0950123, MeSH D030342.

Allele frequency attached by ClinVar (database versions not stated): TOPMed 0.00006; ESP Exome Variant Server 0.00008; ExAC 0.00009; gnomAD 0.00005; gnomAD exomes 0.00005.
gnomAD v4.1: 83 of 1,612,338 alleles (0.0051%); highest among the groups gnomAD compares: Non-Finnish European, 0.0061%; no homozygotes.

Submissions (2):

Labcorp Genetics (formerly Invitae), Labcorp
Classification: Uncertain significance. Last evaluated: 2024-01-24. Review status: criteria provided, single submitter. Criteria: Invitae Variant Classification Sherloc (09022015). Collection method: clinical testing. Allele origin: germline.
Comment: This sequence change replaces proline, which is neutral and non-polar, with serine, which is neutral and polar, at codon 110 of the PPCS protein (p.Pro110Ser). This variant is present in population databases (rs372401432, gnomAD 0.01%). This variant has not been reported in the literature in individuals affected with PPCS-related conditions. ClinVar contains an entry for this variant (Variation ID: 1361600). Advanced modeling of protein sequence and biophysical properties (such as structural, functional, and spatial information, amino acid conservation, physicochemical variation, residue mobility, and thermodynamic stability) performed at Invitae indicates that this missense variant is not expected to disrupt PPCS protein function with a negative predictive value of 80%. In summary, the available evidence is currently insufficient to determine the role of this variant in disease. Therefore, it has been classified as a Variant of Uncertain Significance.

Ambry Genetics
Classification: Uncertain significance for Inborn genetic diseases. Last evaluated: 2023-04-24. Review status: criteria provided, single submitter. Criteria: Ambry Variant Classification Scheme 2023. Collection method: clinical testing. Allele origin: germline.

NM_024664.4(PPCS):c.328C>T (p.Pro110Ser)

Genes: CCDC30 (coiled-coil domain containing 30; plus strand), PPCS (phosphopantothenoylcysteine synthetase; plus strand), LOC129930344 (ATAC-STARR-seq lymphoblastoid active region 894; plus strand). Cytogenetic location: 1p34.2.
Variant type: single nucleotide variant.
Coding change: c.328C>T on transcript NM_024664.4 (MANE Select); coding-DNA position 328, C replaced by T.
Protein change: p.Pro110Ser; replaces proline 110 with serine.
Molecular consequence: missense variant. On other transcripts: 5 prime UTR variant (1), intron variant (6).
Genome position (GRCh38, 1-based): chr1:42,456,893, C>T. VCF-style: chr1-42456893-C-T. GRCh37 (hg19) VCF-style: chr1-42922564-C-T.
Other names: c.-365C>T (NM_001287510.2); c.328C>T, p.Pro110Ser (NM_001287511.2); c.-983-354C>T (NM_001355226.2); c.-327-354C>T (NM_001287507.1); c.-11-354C>T (NM_001287506.1); c.-12+169C>T (NM_001287508.2); c.-12+265C>T (NM_001077447.3); c.-12+310C>T (NM_001287509.2); short protein forms P110S.
Identifiers: ClinVar variation 1361600 (VCV001361600.7), dbSNP rs372401432, ClinGen allele CA799951.